The following is an entry in ClinVar:

NM_003970.4(MYOM2):c.4113C>T (p.Asn1371=)

Gene: MYOM2 (myomesin 2; plus strand). Cytogenetic location: 8p23.3.
Variant type: single nucleotide variant.
Coding change: c.4113C>T on transcript NM_003970.4 (MANE Select); coding-DNA position 4113, C replaced by T.
Protein change: p.Asn1371=; no amino-acid change (asparagine 1371 retained).
Molecular consequence: synonymous variant.
Genome position (GRCh38, 1-based): chr8:2,144,696, C>T. VCF-style: chr8-2144696-C-T. GRCh37 (hg19) VCF-style: chr8-2092620-C-T.
Identifiers: ClinVar variation 3042131 (VCV003042131.2), dbSNP rs138694737, ClinGen allele CA170467225.

ClinVar aggregate classification (germline): Likely benign (0 of 4 stars; one submission).

Conditions:
MYOM2-related disorder. Also called: MYOM2-related condition.

Allele frequency attached by ClinVar (database versions not stated): 1000 Genomes Project 0.00040; 1000 Genomes Project 30x 0.00047; TOPMed 0.00200; gnomAD 0.00213; ExAC 0.00214; ESP Exome Variant Server 0.00269.
gnomAD v4.1: 5,184 of 1,614,098 alleles (0.32%); highest among the groups gnomAD compares: Non-Finnish European, 0.41%; 12 homozygotes.

Submission:

PreventionGenetics, part of Exact Sciences
Classification: Likely benign for MYOM2-related condition. Last evaluated: 2019-04-18. Review status: no assertion criteria provided. Collection method: clinical testing. Allele origin: germline.
Comment: This variant is classified as likely benign based on ACMG/AMP sequence variant interpretation guidelines (Richards et al. 2015 PMID: 25741868, with internal and published modifications).